The following is an entry in ClinVar:

ClinVar aggregate classification (germline): Uncertain significance (1 of 4 stars; one submission).

Conditions:
Intellectual developmental disorder, X-linked, syndromic, Claes-Jensen type. Also called: Syndromic X-linked intellectual disability Claes-Jensen type; INTELLECTUAL DEVELOPMENTAL DISORDER, X-LINKED, SYNDROMIC 16; MENTAL RETARDATION, X-LINKED, SYNDROMIC 16. Identifiers: Orphanet 85279, MedGen C1845243, MONDO:0010355, OMIM 300534.

Allele frequency attached by ClinVar (database versions not stated): gnomAD exomes below 0.00001.
gnomAD v4.1: 3 of 1,203,219 alleles (0.00025%); highest among the groups gnomAD compares: Non-Finnish European, 0.00034%; no homozygotes.

Submission:

Baylor Genetics
Classification: Uncertain significance for Intellectual developmental disorder, X-linked, syndromic, Claes-Jensen type. Last evaluated: 2019-10-30. Review status: criteria provided, single submitter. Criteria: ACMG Guidelines, 2015. Collection method: clinical testing. Allele origin: unknown. Affected: yes.
Comment: This variant was determined to be of uncertain significance according to ACMG Guidelines, 2015 [PMID:25741868].

NM_004187.5(KDM5C):c.2768G>A (p.Arg923Gln)

Gene: KDM5C (lysine demethylase 5C; minus strand). Cytogenetic location: Xp11.22.
Variant type: single nucleotide variant.
Coding change: c.2768G>A on transcript NM_004187.5 (MANE Select); coding-DNA position 2768, G replaced by A.
Protein change: p.Arg923Gln; replaces arginine 923 with glutamine.
Molecular consequence: missense variant. On other transcripts: non-coding transcript variant (3).
Genome position (GRCh38, 1-based): chrX:53,196,899, C>T on the plus strand (G>A on the coding strand, the complement: KDM5C is on the minus strand). VCF-style: chrX-53196899-C-T. GRCh37 (hg19) VCF-style: chrX-53226081-C-T.
Other names: c.2567G>A, p.Arg856Gln (NM_001146702.2); c.2765G>A, p.Arg922Gln (NM_001282622.3, NM_001353979.2, NM_001353982.2); c.2768G>A, p.Arg923Gln (NM_001353978.3, NM_001353981.2, NM_001353984.2); short protein forms R856Q, R923Q, R922Q.
Identifiers: ClinVar variation 1028199 (VCV001028199.1), dbSNP rs1556837428, ClinGen allele CA413113009.